The following is an entry in ClinVar:

ClinVar aggregate classification (germline): Uncertain significance (1 of 4 stars; one submission).

Allele frequency attached by ClinVar (database versions not stated): ExAC 0.00001.

Submission:

Labcorp Genetics (formerly Invitae), Labcorp
Classification: Uncertain significance. Last evaluated: 2023-05-15. Review status: criteria provided, single submitter. Criteria: Invitae Variant Classification Sherloc (09022015). Collection method: clinical testing. Allele origin: germline.
Comment: This sequence change replaces serine, which is neutral and polar, with arginine, which is basic and polar, at codon 3567 of the FAT4 protein (p.Ser3567Arg). This variant is present in population databases (rs745724130, gnomAD 0.003%). This variant has not been reported in the literature in individuals affected with FAT4-related conditions. ClinVar contains an entry for this variant (Variation ID: 1920749). Advanced modeling of protein sequence and biophysical properties (such as structural, functional, and spatial information, amino acid conservation, physicochemical variation, residue mobility, and thermodynamic stability) performed at Invitae indicates that this missense variant is not expected to disrupt FAT4 protein function. In summary, the available evidence is currently insufficient to determine the role of this variant in disease. Therefore, it has been classified as a Variant of Uncertain Significance.

NM_001291303.3(FAT4):c.10707C>A (p.Ser3569Arg)

Gene: FAT4 (FAT atypical cadherin 4; plus strand). Cytogenetic location: 4q28.1.
Variant type: single nucleotide variant.
Coding change: c.10707C>A on transcript NM_001291303.3 (MANE Select); coding-DNA position 10707, C replaced by A.
Protein change: p.Ser3569Arg; replaces serine 3569 with arginine.
Molecular consequence: missense variant.
Genome position (GRCh38, 1-based): chr4:125,451,717, C>A. VCF-style: chr4-125451717-C-A. GRCh37 (hg19) VCF-style: chr4-126372872-C-A.
Other names: c.10707C>A, p.Ser3569Arg (NM_001291285.3); c.10701C>A, p.Ser3567Arg (NM_024582.6); short protein forms S3569R, S3567R.
Identifiers: ClinVar variation 1920749 (VCV001920749.4), dbSNP rs745724130, ClinGen allele CA3073726.